The following is an entry in ClinVar:

ClinVar aggregate classification (germline): Likely benign. Review status: criteria provided, multiple submitters, no conflicts (2 of 4 stars). 2 submissions from 2 submitters: Likely benign (2). Last evaluated 2023-05-16.

Conditions:
RYR1-related disorder. Also called: RYR1-related condition; RYR1-related disorders. Identifiers: MedGen CN239331.
Malignant hyperthermia, susceptibility to, 1 (MHS1). Also called: Malignant hyperthermia suceptibility 1; RYR1-Related Malignant Hyperthermia Susceptibility; Anesthesia related hyperthermia; Malignant hyperpyrexia; Fulminating hyperpyrexia; Pharmacogenic myopathy. Identifiers: Orphanet 423, MedGen C2930980, MONDO:0007783, OMIM 145600.

gnomAD v4.1: 3 of 1,613,544 alleles (0.00019%); highest among the groups gnomAD compares: South Asian, 0.0022%; no homozygotes.

Submissions (2):

All of Us Research Program, National Institutes of Health
Classification: Likely benign for Malignant hyperthermia, susceptibility to, 1. Last evaluated: 2023-05-16. Review status: criteria provided, single submitter. Criteria: ACMG Guidelines, 2015. Collection method: clinical testing. Allele origin: germline. Inheritance: Autosomal dominant inheritance. Observed: 2 variant alleles, 2 heterozygotes.
Comment: This study involves interpretation of variants in research participants for the purpose of population health screening. Participant phenotype was not available at the time of variant classification. Additional details can be found in publication PMID: 35346344, PMCID: PMC8962531

Labcorp Genetics (formerly Invitae), Labcorp
Classification: Likely benign for RYR1-related disorder. Last evaluated: 2023-04-28. Review status: criteria provided, single submitter. Criteria: Invitae Variant Classification Sherloc (09022015). Collection method: clinical testing. Allele origin: germline.

NM_000540.3(RYR1):c.873G>T (p.Ala291=)

Gene: RYR1 (ryanodine receptor 1; plus strand). Cytogenetic location: 19q13.2.
Variant type: single nucleotide variant.
Coding change: c.873G>T on transcript NM_000540.3 (MANE Select); coding-DNA position 873, G replaced by T.
Protein change: p.Ala291=; no amino-acid change (alanine 291 retained).
Molecular consequence: synonymous variant.
Genome position (GRCh38, 1-based): chr19:38,448,427, G>T. VCF-style: chr19-38448427-G-T. GRCh37 (hg19) VCF-style: chr19-38939067-G-T.
Other names: c.873G>T, p.Ala291= (NM_001042723.2).
Identifiers: ClinVar variation 765375 (VCV000765375.11), dbSNP rs2229140, ClinGen allele CA507242055.
Genomic context (GRCh38, chr19:38,448,427, plus strand): 5'-CCACCTGCGCTGGGGCCAGCCACTCCGAGTCCGGCATGTCACTACCGGGCAGTACCTAGC[G>T]CTCACCGAGGACCAGGGCCTGGTGGTGGTTGACGCCAGCAAGGCTCACACCAAGGCTACC-3'
Protein context (NP_000531.2, residues 281-301): VRHVTTGQYL[Ala291=]LTEDQGLVVV